The following is an entry in ClinVar:

NM_201384.3(PLEC):c.8836C>T (p.Arg2946Cys)

Gene: PLEC (plectin; minus strand). Cytogenetic location: 8q24.3.
Variant type: single nucleotide variant.
Coding change: c.8836C>T on transcript NM_201384.3 (MANE Select); coding-DNA position 8836, C replaced by T.
Protein change: p.Arg2946Cys; replaces arginine 2946 with cysteine.
Molecular consequence: missense variant.
Genome position (GRCh38, 1-based): chr8:143,920,985, G>A on the plus strand (C>T on the coding strand, the complement: PLEC is on the minus strand). VCF-style: chr8-143920985-G-A. GRCh37 (hg19) VCF-style: chr8-144995153-G-A.
Other names: c.8917C>T, p.Arg2973Cys (NM_000445.5); c.8794C>T, p.Arg2932Cys (NM_201378.4); c.8770C>T, p.Arg2924Cys (NM_201379.3); c.9247C>T, p.Arg3083Cys (NM_201380.4); c.8740C>T, p.Arg2914Cys (NM_201381.3); c.8836C>T, p.Arg2946Cys (NM_201382.4); c.8848C>T, p.Arg2950Cys (NM_201383.3); short protein forms R2932C, R2950C, R2924C, R2946C, R3083C, R2914C, R2973C.
Identifiers: ClinVar variation 968374 (VCV000968374.7), dbSNP rs546852080, ClinGen allele CA4925167.
Genomic context (GRCh38, chr8:143,920,985, plus strand): 5'-GCTCCTCCACCACCGTGATGATGATCTTGATGATCTTCTCCACTGTGATCCGGCCCGTGC[G>A]GAACTGCCGCAGCAGGTCCCGCCGCTGCTCTGCCGTGAAGTATTCCGAGTTGATGATCTC-3'
Protein context (NP_958786.1, residues 2936-2956): EQRRDLLRQF[Arg2946Cys]TGRITVEKII

ClinVar aggregate classification (germline): Uncertain significance (1 of 4 stars; one submission).

Conditions:
Epidermolysis bullosa simplex 5B, with muscular dystrophy (EBS5B). Also called: Epidermolysis bullosa simplex with muscular dystrophy; EPIDERMOLYSIS BULLOSA SIMPLEX AND LIMB-GIRDLE MUSCULAR DYSTROPHY. Identifiers: Orphanet 257, MedGen C2931072, MONDO:0009181, OMIM 226670.
Autosomal recessive limb-girdle muscular dystrophy type 2Q (LGMDR17). Also called: MUSCULAR DYSTROPHY, LIMB-GIRDLE, AUTOSOMAL RECESSIVE 17. Identifiers: Orphanet 254361, MedGen C3150989, MONDO:0013390, OMIM 613723.
Epidermolysis bullosa simplex with nail dystrophy (EBS5D). Identifiers: MedGen C4225309, MONDO:0014661, OMIM 616487.
Epidermolysis bullosa simplex 5C, with pyloric atresia (EBS5C). Also called: PLEC-Related Epidermolysis Bullosa with Pyloric Atresia; Epidermolysis bullosa simplex with pyloric atresia; PLEC1-Related Epidermolysis Bullosa with Pyloric Atresia. Identifiers: Orphanet 158684, MedGen C2677349, MONDO:0012807, OMIM 612138.
Epidermolysis bullosa simplex, Ogna type (EBS5A). Also called: Pidermolysis bullosa simplex 5A, Ogna type; EPIDERMOLYSIS BULLOSA SIMPLEX 5A, OGNA TYPE. Identifiers: Orphanet 79401, MedGen C0432317, MONDO:0007555, OMIM 131950.

Allele frequency attached by ClinVar (database versions not stated): gnomAD 0.00001 and 0.00003; gnomAD exomes 0.00002 and 0.00004; ExAC 0.00003; TOPMed 0.00004; 1000 Genomes Project 0.00020; 1000 Genomes Project 30x 0.00031.
gnomAD v4.1: 41 of 1,613,098 alleles (0.0025%); highest among the groups gnomAD compares: South Asian, 0.018%; no homozygotes.

Submission:

Labcorp Genetics (formerly Invitae), Labcorp
Classification: Uncertain significance for Autosomal recessive limb-girdle muscular dystrophy type 2Q; Epidermolysis bullosa simplex, Ogna type; Epidermolysis bullosa simplex with nail dystrophy; Epidermolysis bullosa simplex 5C, with pyloric atresia; Epidermolysis bullosa simplex 5B, with muscular dystrophy. Last evaluated: 2024-06-06. Review status: criteria provided, single submitter. Criteria: Invitae Variant Classification Sherloc (09022015). Collection method: clinical testing. Allele origin: germline.
Comment: This sequence change replaces arginine, which is basic and polar, with cysteine, which is neutral and slightly polar, at codon 2973 of the PLEC protein (p.Arg2973Cys). This variant is present in population databases (rs546852080, gnomAD 0.01%). This variant has not been reported in the literature in individuals affected with PLEC-related conditions. ClinVar contains an entry for this variant (Variation ID: 968374). An algorithm developed to predict the effect of missense changes on protein structure and function (PolyPhen-2) suggests that this variant is likely to be disruptive. In summary, the available evidence is currently insufficient to determine the role of this variant in disease. Therefore, it has been classified as a Variant of Uncertain Significance.